The following is an entry in ClinVar:

ClinVar aggregate classification (germline): Likely benign. Review status: criteria provided, multiple submitters, no conflicts (2 of 4 stars). 4 submissions from 4 submitters: Likely benign (3). 1 of the submissions does not count toward it. Last evaluated 2026-02-01.

Conditions:
FAN1-related disorder. Also called: FAN1-related condition.

Allele frequency attached by ClinVar (database versions not stated): ExAC 0.00075; 1000 Genomes Project 30x 0.00078; gnomAD exomes 0.00079; 1000 Genomes Project 0.00100; TOPMed 0.00104; gnomAD 0.00110 and 0.00111; ESP Exome Variant Server 0.00154.
gnomAD v4.1: 2,893 of 1,613,872 alleles (0.18%); highest among the groups gnomAD compares: Non-Finnish European, 0.23%; 3 homozygotes.

Submissions (4):

Labcorp Genetics (formerly Invitae), Labcorp
Classification: Likely benign. Last evaluated: 2026-02-01. Review status: criteria provided, single submitter. Criteria: Invitae Variant Classification Sherloc (09022015). Collection method: clinical testing. Allele origin: germline.

Blueprint Genetics
Classification: Likely benign. Last evaluated: 2024-11-26. Review status: criteria provided, single submitter. Criteria: ACMG Guidelines, 2015. Collection method: clinical testing. Allele origin: germline.

Breakthrough Genomics
Classification: Likely benign. Review status: criteria provided, single submitter. Criteria: ACMG Guidelines, 2015. Collection method: not provided. Allele origin: germline. Inheritance: Autosomal recessive inheritance. Affected: yes.

PreventionGenetics, part of Exact Sciences
Classification: Likely benign for FAN1-related condition. Last evaluated: 2022-04-13. Review status: no assertion criteria provided. Collection method: clinical testing. Allele origin: germline. Not counted in ClinVar's aggregate classification.
Comment: This variant is classified as likely benign based on ACMG/AMP sequence variant interpretation guidelines (Richards et al. 2015 PMID: 25741868, with internal and published modifications).

NM_014967.5(FAN1):c.603C>T (p.Asp201=)

Gene: FAN1 (FANCD2 and FANCI associated nuclease 1; plus strand). Cytogenetic location: 15q13.3.
Variant type: single nucleotide variant.
Coding change: c.603C>T on transcript NM_014967.5 (MANE Select); coding-DNA position 603, C replaced by T.
Protein change: p.Asp201=; no amino-acid change (aspartic acid 201 retained).
Molecular consequence: synonymous variant.
Genome position (GRCh38, 1-based): chr15:30,905,266, C>T. VCF-style: chr15-30905266-C-T. GRCh37 (hg19) VCF-style: chr15-31197469-C-T.
Other names: c.603C>T, p.Asp201= (NM_001146094.2, NM_001146095.1, NM_001146096.2).
Identifiers: ClinVar variation 783052 (VCV000783052.13), dbSNP rs142084532, ClinGen allele CA7450095.